The following is an entry in ClinVar:

NM_001370259.2(MEN1):c.698A>G (p.Lys233Arg)

Gene: MEN1 (menin 1; minus strand). Cytogenetic location: 11q13.1.
Variant type: single nucleotide variant.
Coding change: c.698A>G on transcript NM_001370259.2 (MANE Select); coding-DNA position 698, A replaced by G.
Protein change: p.Lys233Arg; replaces lysine 233 with arginine.
Molecular consequence: missense variant. On other transcripts: non-coding transcript variant (4).
Genome position (GRCh38, 1-based): chr11:64,807,637, T>C on the plus strand (A>G on the coding strand, the complement: MEN1 is on the minus strand). VCF-style: chr11-64807637-T-C. GRCh37 (hg19) VCF-style: chr11-64575109-T-C.
Other names: c.713A>G, p.Lys238Arg (NM_130801.3, NM_130802.3, NM_130803.3 and 5 more transcripts); c.698A>G, p.Lys233Arg (NM_001370251.2, NM_001370260.2, NM_001370261.2 and 7 more transcripts); c.593A>G, p.Lys198Arg (NM_001370262.2, NM_001370263.2, NM_001407148.1 and 2 more transcripts); short protein forms K233R, K238R, K198R.
Identifiers: ClinVar variation 2851336 (VCV002851336.3), dbSNP rs1592649270, ClinGen allele CA381184610.

ClinVar aggregate classification (germline): Uncertain significance (1 of 4 stars; one submission).

Conditions:
Multiple endocrine neoplasia, type 1 (MEN1). Also called: MEN I; WERMER SYNDROME; Endocrine adenomatosis multiple; MEN 1; MEA I. Identifiers: Orphanet 652, MedGen C0025267, MeSH D018761, MONDO:0007540, OMIM 131100.

Submission:

Labcorp Genetics (formerly Invitae), Labcorp
Classification: Uncertain significance for Multiple endocrine neoplasia, type 1. Last evaluated: 2023-04-01. Review status: criteria provided, single submitter. Criteria: Invitae Variant Classification Sherloc (09022015). Collection method: clinical testing. Allele origin: germline.
Comment: In summary, the available evidence is currently insufficient to determine the role of this variant in disease. Therefore, it has been classified as a Variant of Uncertain Significance. Algorithms developed to predict the effect of sequence changes on RNA splicing suggest that this variant may create or strengthen a splice site. Advanced modeling of protein sequence and biophysical properties (such as structural, functional, and spatial information, amino acid conservation, physicochemical variation, residue mobility, and thermodynamic stability) performed at Invitae indicates that this missense variant is expected to disrupt MEN1 protein function. This variant has not been reported in the literature in individuals affected with MEN1-related conditions. This variant is not present in population databases (gnomAD no frequency). This sequence change replaces lysine, which is basic and polar, with arginine, which is basic and polar, at codon 233 of the MEN1 protein (p.Lys233Arg).